The following is an entry in ClinVar:

ClinVar aggregate classification (germline): Uncertain significance. Review status: criteria provided, multiple submitters, no conflicts (2 of 4 stars). 2 submissions from 2 submitters: Uncertain significance (2). Last evaluated 2025-02-25.

Conditions:
Dilated cardiomyopathy 1O (CMD1O). Also called: CARDIOMYOPATHY, DILATED, WITH VENTRICULAR TACHYCARDIA. Identifiers: Orphanet 154, MedGen C1837839, MONDO:0012062, OMIM 608569.
Cardiovascular phenotype. Identifiers: MedGen CN230736.

Allele frequency attached by ClinVar (database versions not stated): 1000 Genomes Project 0.00020; 1000 Genomes Project 30x 0.00031.
gnomAD v4.1: 3 of 1,613,842 alleles (0.00019%); highest among the groups gnomAD compares: Admixed American, 0.005%; no homozygotes.

Submissions (2):

Ambry Genetics
Classification: Uncertain significance for Cardiovascular phenotype. Last evaluated: 2025-02-25. Review status: criteria provided, single submitter. Criteria: Ambry Variant Classification Scheme 2023. Collection method: clinical testing. Allele origin: germline.
Comment: The p.I1092N variant (also known as c.3275T>A), located in coding exon 26 of the ABCC9 gene, results from a T to A substitution at nucleotide position 3275. The isoleucine at codon 1092 is replaced by asparagine, an amino acid with dissimilar properties. This amino acid position is highly conserved in available vertebrate species. In addition, this alteration is predicted to be deleterious by in silico analysis. Based on the available evidence, the clinical significance of this variant remains unclear.

Labcorp Genetics (formerly Invitae), Labcorp
Classification: Uncertain significance for Dilated cardiomyopathy 1O. Last evaluated: 2024-08-21. Review status: criteria provided, single submitter. Criteria: Invitae Variant Classification Sherloc (09022015). Collection method: clinical testing. Allele origin: germline.
Comment: This sequence change replaces isoleucine, which is neutral and non-polar, with asparagine, which is neutral and polar, at codon 1092 of the ABCC9 protein (p.Ile1092Asn). This variant is present in population databases (rs182158174, gnomAD 0.009%). This variant has not been reported in the literature in individuals affected with ABCC9-related conditions. ClinVar contains an entry for this variant (Variation ID: 1442439). Invitae Evidence Modeling of protein sequence and biophysical properties (such as structural, functional, and spatial information, amino acid conservation, physicochemical variation, residue mobility, and thermodynamic stability) indicates that this missense variant is expected to disrupt ABCC9 protein function with a positive predictive value of 95%. In summary, the available evidence is currently insufficient to determine the role of this variant in disease. Therefore, it has been classified as a Variant of Uncertain Significance.

NM_020297.4(ABCC9):c.3275T>A (p.Ile1092Asn)

Gene: ABCC9 (ATP binding cassette subfamily C member 9; minus strand). Cytogenetic location: 12p12.1.
Variant type: single nucleotide variant.
Coding change: c.3275T>A on transcript NM_020297.4 (MANE Select); coding-DNA position 3275, T replaced by A.
Protein change: p.Ile1092Asn; replaces isoleucine 1092 with asparagine.
Molecular consequence: missense variant.
Genome position (GRCh38, 1-based): chr12:21,844,523, A>T on the plus strand (T>A on the coding strand, the complement: ABCC9 is on the minus strand). VCF-style: chr12-21844523-A-T. GRCh37 (hg19) VCF-style: chr12-21997457-A-T.
Other names: c.3275T>A (NM_005691.2); c.3275T>A, p.Ile1092Asn (NM_001377273.1, NM_005691.4); c.2408T>A, p.Ile803Asn (NM_001377274.1); short protein forms I1092N, I803N.
Identifiers: ClinVar variation 1442439 (VCV001442439.7), dbSNP rs182158174, ClinGen allele CA6481146.